The following is an entry in ClinVar:

NM_003384.3(VRK1):c.440A>G (p.Lys147Arg)

Gene: VRK1 (VRK serine/threonine kinase 1; plus strand). Cytogenetic location: 14q32.2.
Variant type: single nucleotide variant.
Coding change: c.440A>G on transcript NM_003384.3 (MANE Select); coding-DNA position 440, A replaced by G.
Protein change: p.Lys147Arg; replaces lysine 147 with arginine.
Molecular consequence: missense variant.
Genome position (GRCh38, 1-based): chr14:96,852,896, A>G. VCF-style: chr14-96852896-A-G. GRCh37 (hg19) VCF-style: chr14-97319233-A-G.
Other names: short protein forms K147R.
Identifiers: ClinVar variation 1408897 (VCV001408897.10), dbSNP rs149350224, ClinGen allele CA7338973.

ClinVar aggregate classification (germline): Uncertain significance. Review status: criteria provided, multiple submitters, no conflicts (2 of 4 stars). 2 submissions from 2 submitters: Uncertain significance (2). Last evaluated 2024-10-01.

Conditions:
Pontocerebellar hypoplasia type 1A (PCH1A). Also called: PONTOCEREBELLAR HYPOPLASIA WITH ANTERIOR HORN CELL DISEASE; PONTOCEREBELLAR HYPOPLASIA WITH INFANTILE SPINAL MUSCULAR ATROPHY. Identifiers: Orphanet 2254, Orphanet 88616, MedGen C1843504, MONDO:0011866, OMIM 607596.
Inborn genetic diseases. Identifiers: MedGen C0950123, MeSH D030342.

Allele frequency attached by ClinVar (database versions not stated): gnomAD exomes below 0.00001 and 0.00001; ExAC 0.00002; gnomAD 0.00009; TOPMed 0.00011; ESP Exome Variant Server 0.00023.

Submissions (2):

Labcorp Genetics (formerly Invitae), Labcorp
Classification: Uncertain significance for Pontocerebellar hypoplasia type 1A. Last evaluated: 2024-10-01. Review status: criteria provided, single submitter. Criteria: Invitae Variant Classification Sherloc (09022015). Collection method: clinical testing. Allele origin: germline.
Comment: This sequence change replaces lysine, which is basic and polar, with arginine, which is basic and polar, at codon 147 of the VRK1 protein (p.Lys147Arg). This variant is present in population databases (rs149350224, gnomAD 0.02%). This variant has not been reported in the literature in individuals affected with VRK1-related conditions. ClinVar contains an entry for this variant (Variation ID: 1408897). An algorithm developed to predict the effect of missense changes on protein structure and function outputs the following: PolyPhen-2: "Benign". The arginine amino acid residue is found in multiple mammalian species, which suggests that this missense change does not adversely affect protein function. In summary, the available evidence is currently insufficient to determine the role of this variant in disease. Therefore, it has been classified as a Variant of Uncertain Significance.

Ambry Genetics
Classification: Uncertain significance for Inborn genetic diseases. Last evaluated: 2022-11-07. Review status: criteria provided, single submitter. Criteria: Ambry Variant Classification Scheme 2023. Collection method: clinical testing. Allele origin: germline.